The following is an entry in ClinVar:

NM_018341.3(ERMARD):c.1909G>A (p.Glu637Lys)

Gene: ERMARD (ER membrane associated RNA degradation; plus strand). Cytogenetic location: 6q27.
Variant type: single nucleotide variant.
Coding change: c.1909G>A on transcript NM_018341.3 (MANE Select); coding-DNA position 1909, G replaced by A.
Protein change: p.Glu637Lys; replaces glutamic acid 637 with lysine.
Molecular consequence: missense variant.
Genome position (GRCh38, 1-based): chr6:169,781,385, G>A. VCF-style: chr6-169781385-G-A. GRCh37 (hg19) VCF-style: chr6-170181481-G-A.
Other names: c.1768G>A, p.Glu590Lys (NM_001278531.2); c.1531G>A, p.Glu511Lys (NM_001278532.2); c.1690G>A, p.Glu564Lys (NM_001278533.2); c.1501G>A, p.Glu501Lys (NM_001410957.1); short protein forms E501K, E564K, E637K, E590K, E511K.
Identifiers: ClinVar variation 2515313 (VCV002515313.3), dbSNP rs1405133707, ClinGen allele CA366505386.

ClinVar aggregate classification (germline): Uncertain significance. Review status: criteria provided, multiple submitters, no conflicts (2 of 4 stars). 2 submissions from 2 submitters: Uncertain significance (2). Last evaluated 2025-12-11.

Allele frequency attached by ClinVar (database versions not stated): gnomAD 0.00002; gnomAD exomes 0.00002; TOPMed 0.00003.
gnomAD v4.1: 36 of 1,612,814 alleles (0.0022%); highest among the groups gnomAD compares: Admixed American, 0.005%; no homozygotes.

Submissions (2):

Labcorp Genetics (formerly Invitae), Labcorp
Classification: Uncertain significance. Last evaluated: 2025-12-11. Review status: criteria provided, single submitter. Criteria: Invitae Variant Classification Sherloc (09022015). Collection method: clinical testing. Allele origin: germline.
Comment: This sequence change replaces glutamic acid, which is acidic and polar, with lysine, which is basic and polar, at codon 637 of the ERMARD protein (p.Glu637Lys). This variant is present in population databases (no rsID available, gnomAD 0.006%). This variant has not been reported in the literature in individuals affected with ERMARD-related conditions. ClinVar contains an entry for this variant (Variation ID: 2515313). Invitae Evidence Modeling of protein sequence and biophysical properties (such as structural, functional, and spatial information, amino acid conservation, physicochemical variation, residue mobility, and thermodynamic stability) indicates that this missense variant is expected to disrupt ERMARD protein function with a positive predictive value of 80%. In summary, the available evidence is currently insufficient to determine the role of this variant in disease. Therefore, it has been classified as a Variant of Uncertain Significance.

Ambry Genetics
Classification: Uncertain significance. Last evaluated: 2023-03-24. Review status: criteria provided, single submitter. Criteria: Ambry Variant Classification Scheme 2023. Collection method: clinical testing. Allele origin: germline.